The following is an entry in ClinVar:

ClinVar aggregate classification (germline): Uncertain significance (1 of 4 stars; one submission).

gnomAD v4.1: 1 of 1,613,224 alleles (0.000062%); no homozygotes.

Submission:

Ambry Genetics
Classification: Uncertain significance. Last evaluated: 2022-10-19. Review status: criteria provided, single submitter. Criteria: Ambry Variant Classification Scheme 2023. Collection method: clinical testing. Allele origin: germline.
Comment: The p.V406M variant (also known as c.1216G>A), located in coding exon 4 of the PALLD gene, results from a G to A substitution at nucleotide position 1216. The valine at codon 406 is replaced by methionine, an amino acid with highly similar properties. This amino acid position is conserved. In addition, the in silico prediction for this alteration is inconclusive. Since supporting evidence is limited at this time, the clinical significance of this alteration remains unclear.

NM_001166108.2(PALLD):c.1216G>A (p.Val406Met)

Gene: PALLD (palladin, cytoskeletal associated protein; plus strand). Cytogenetic location: 4q32.3.
Variant type: single nucleotide variant.
Coding change: c.1216G>A on transcript NM_001166108.2 (MANE Select); coding-DNA position 1216, G replaced by A.
Protein change: p.Val406Met; replaces valine 406 with methionine.
Molecular consequence: missense variant.
Genome position (GRCh38, 1-based): chr4:168,683,059, G>A. VCF-style: chr4-168683059-G-A. GRCh37 (hg19) VCF-style: chr4-169604210-G-A.
Other names: c.1216G>A, p.Val406Met (NM_016081.4); c.70G>A, p.Val24Met (NM_001166109.2); short protein forms V406M, V24M.
Identifiers: ClinVar variation 1751740 (VCV001751740.2), dbSNP rs2531591014, ClinGen allele CA358794270.